The following is an entry in ClinVar:

ClinVar aggregate classification (germline): Pathogenic (1 of 4 stars; one submission).

Conditions:
Familial adenomatous polyposis 2. Also called: MUTYH-associated polyposis; Adenomas, multiple colorectal; COLORECTAL ADENOMATOUS POLYPOSIS, AUTOSOMAL RECESSIVE; ADENOMAS, MULTIPLE COLORECTAL, AUTOSOMAL RECESSIVE; MUTYH-related attenuated familial adenomatous polyposis; MYH-associated polyposis. Identifiers: Orphanet 220460, Orphanet 247798, MedGen C3272841, MONDO:0012041, OMIM 608456.

Submission:

Labcorp Genetics (formerly Invitae), Labcorp
Classification: Pathogenic for Familial adenomatous polyposis 2. Last evaluated: 2024-07-23. Review status: criteria provided, single submitter. Criteria: Invitae Variant Classification Sherloc (09022015). Collection method: clinical testing. Allele origin: germline.
Comment: This sequence change creates a premature translational stop signal (p.Gln338Serfs*70) in the MUTYH gene. It is expected to result in an absent or disrupted protein product. Loss-of-function variants in MUTYH are known to be pathogenic (PMID: 18534194, 20663686). This variant is not present in population databases (gnomAD no frequency). This variant has not been reported in the literature in individuals affected with MUTYH-related conditions. For these reasons, this variant has been classified as Pathogenic.

Literature cited by the submitters: PubMed 18534194; PubMed 20663686.

NM_001048174.2(MUTYH):c.928del (p.Gln310fs)

Gene: MUTYH (mutY DNA glycosylase; minus strand). Cytogenetic location: 1p34.1.
Variant type: Deletion.
Coding change: c.928del on transcript NM_001048174.2 (MANE Select); coding-DNA position 928, one base deleted (C; older notation c.928delC).
Protein change: p.Gln310fs; shifts the reading frame from glutamine 310.
Molecular consequence: frameshift variant. On other transcripts: non-coding transcript variant (7).
Genome position (GRCh38, 1-based): chr1:45,331,835, G deleted on the plus strand (C on the coding strand, the reverse complement: MUTYH is on the minus strand). VCF-style (leftmost placement, unchanged base first): chr1-45331834-TG-T. GRCh37 (hg19) VCF-style: chr1-45797506-TG-T.
Other names: c.928del, p.Gln310fs (NM_001048171.2, NM_001048173.2, NM_001293195.2 and 6 more transcripts); c.931del, p.Gln311fs (NM_001048172.2, NM_001407071.1, NM_001407078.1 and 1 more transcripts); c.1012del, p.Gln338fs (NM_001128425.2); c.973del, p.Gln325fs (NM_001293190.2); c.961del, p.Gln321fs (NM_001293191.2, NM_001407069.1, NM_001407077.1); c.652del, p.Gln218fs (NM_001293192.2, NM_001293196.2, NM_001407091.1); c.583del, p.Gln195fs (NM_001350650.2, NM_001350651.2, NM_001407082.1); c.844del, p.Gln282fs (NM_001407075.1); and 5 more; short protein forms Q195fs, Q282fs, Q310fs, Q218fs, Q296fs, Q311fs, Q324fs, Q338fs.
Identifiers: ClinVar variation 2743522 (VCV002743522.3), dbSNP rs2524023943, ClinGen allele CA2697552389.
Genomic context (GRCh38, chr1:45,331,834, plus strand): 5'-AAGTTGACCACTCCCAGGGTCTGGTCCCAGGGCTCCGAGGGAGGCAGGCACAGGTGGCAC[TG>T]TCCAGTGTTGGGAGCTGGGAACGGAGATCCCCGAACCCTACTCAAGCCAAGAGGGCTTTA-3'